The following is an entry in ClinVar:

ClinVar aggregate classification (germline): Uncertain significance (1 of 4 stars; one submission).

Conditions:
Inborn genetic diseases. Identifiers: MedGen C0950123, MeSH D030342.

Submission:

Ambry Genetics
Classification: Uncertain significance for Inborn genetic diseases. Last evaluated: 2026-07-13. Review status: criteria provided, single submitter. Criteria: Ambry Variant Classification Scheme 2023. Collection method: clinical testing. Allele origin: germline.
Comment: The c.4457C>G (p.S1486C) alteration is located in exon 31 (coding exon 30) of the SMARCA2 gene. This alteration results from a C to G substitution at nucleotide position 4457, causing the serine (S) at amino acid position 1486 to be replaced by a cysteine (C). This variant was not reported in population-based cohorts in the Genome Aggregation Database (gnomAD). This amino acid position is highly conserved in available vertebrate species. The in silico prediction for this alteration is inconclusive. Based on insufficient or conflicting evidence, the clinical significance of this alteration remains unclear.

NM_003070.5(SMARCA2):c.4457C>G (p.Ser1486Cys)

Gene: SMARCA2 (SWI/SNF related BAF chromatin remodeling complex subunit ATPase 2; plus strand). Cytogenetic location: 9p24.3.
Variant type: single nucleotide variant.
Coding change: c.4457C>G on transcript NM_003070.5 (MANE Select); coding-DNA position 4457, C replaced by G.
Protein change: p.Ser1486Cys; replaces serine 1486 with cysteine.
Molecular consequence: missense variant.
Genome position (GRCh38, 1-based): chr9:2,182,238, C>G. VCF-style: chr9-2182238-C-G. GRCh37 (hg19) VCF-style: chr9-2182238-C-G.
Other names: c.4457C>G, p.Ser1486Cys (NM_001289396.2); c.4229C>G, p.Ser1410Cys (NM_001289397.2); c.431C>G, p.Ser144Cys (NM_001289398.2); c.515C>G, p.Ser172Cys (NM_001289399.2); c.521C>G, p.Ser174Cys (NM_001289400.2); c.4403C>G, p.Ser1468Cys (NM_139045.4); short protein forms S144C, S1468C, S1410C, S1486C, S174C, S172C.
Identifiers: ClinVar variation 5029798 (VCV005029798.1).